The following is an entry in ClinVar:

ClinVar aggregate classification (germline): Uncertain significance. Review status: criteria provided, multiple submitters, no conflicts (2 of 4 stars). 2 submissions from 2 submitters: Uncertain significance (2). Last evaluated 2024-05-23.

Conditions:
Multiple endocrine neoplasia, type 1 (MEN1). Also called: MEN I; WERMER SYNDROME; Endocrine adenomatosis multiple; MEN 1; MEA I. Identifiers: Orphanet 652, MedGen C0025267, MeSH D018761, MONDO:0007540, OMIM 131100.
Hereditary cancer-predisposing syndrome. Also called: Neoplastic Syndromes, Hereditary; Tumor predisposition; Hereditary neoplastic syndrome; Hereditary Cancer Syndrome. Identifiers: Orphanet 140162, MedGen C0027672, MeSH D009386, MONDO:0015356.

Submissions (2):

Labcorp Genetics (formerly Invitae), Labcorp
Classification: Uncertain significance for Multiple endocrine neoplasia, type 1. Last evaluated: 2024-05-23. Review status: criteria provided, single submitter. Criteria: Invitae Variant Classification Sherloc (09022015). Collection method: clinical testing. Allele origin: germline.
Comment: This sequence change replaces proline, which is neutral and non-polar, with alanine, which is neutral and non-polar, at codon 298 of the MEN1 protein (p.Pro298Ala). This variant is not present in population databases (gnomAD no frequency). This variant has not been reported in the literature in individuals affected with MEN1-related conditions. ClinVar contains an entry for this variant (Variation ID: 527246). Advanced modeling of protein sequence and biophysical properties (such as structural, functional, and spatial information, amino acid conservation, physicochemical variation, residue mobility, and thermodynamic stability) has been performed at Invitae for this missense variant, however the output from this modeling did not meet the statistical confidence thresholds required to predict the impact of this variant on MEN1 protein function. In summary, the available evidence is currently insufficient to determine the role of this variant in disease. Therefore, it has been classified as a Variant of Uncertain Significance.

Ambry Genetics
Classification: Uncertain significance for Hereditary cancer-predisposing syndrome. Last evaluated: 2022-06-11. Review status: criteria provided, single submitter. Criteria: Ambry Variant Classification Scheme 2023. Collection method: clinical testing. Allele origin: germline.
Comment: The p.P298A variant (also known as c.892C>G), located in coding exon 5 of the MEN1 gene, results from a C to G substitution at nucleotide position 892. The proline at codon 298 is replaced by alanine, an amino acid with highly similar properties. This amino acid position is conserved. In addition, the in silico prediction for this alteration is inconclusive. Since supporting evidence is limited at this time, the clinical significance of this alteration remains unclear.

NM_001370259.2(MEN1):c.892C>G (p.Pro298Ala)

Gene: MEN1 (menin 1; minus strand). Cytogenetic location: 11q13.1.
Variant type: single nucleotide variant.
Coding change: c.892C>G on transcript NM_001370259.2 (MANE Select); coding-DNA position 892, C replaced by G.
Protein change: p.Pro298Ala; replaces proline 298 with alanine.
Molecular consequence: missense variant.
Genome position (GRCh38, 1-based): chr11:64,807,031, G>C on the plus strand (C>G on the coding strand, the complement: MEN1 is on the minus strand). VCF-style: chr11-64807031-G-C. GRCh37 (hg19) VCF-style: chr11-64574503-G-C.
Other names: c.787C>G, p.Pro263Ala (NM_001370263.2, NM_001370262.2); c.892C>G, p.Pro298Ala (NM_130799.3, NM_001370251.2, NM_001370260.2 and 1 more transcripts); c.907C>G, p.Pro303Ala (NM_130800.3, NM_130801.3, NM_130802.3 and 3 more transcripts); short protein forms P298A, P303A, P263A.
Identifiers: ClinVar variation 527246 (VCV000527246.13), dbSNP rs1555165268, ClinGen allele CA381183520.